The following is an entry in ClinVar:

NM_001371986.1(UNC80):c.7412C>T (p.Ala2471Val)

Gene: UNC80 (unc-80 subunit of NALCN channel complex; plus strand). Cytogenetic location: 2q34.
Variant type: single nucleotide variant.
Coding change: c.7412C>T on transcript NM_001371986.1 (MANE Select); coding-DNA position 7412, C replaced by T.
Protein change: p.Ala2471Val; replaces alanine 2471 with valine.
Molecular consequence: missense variant.
Genome position (GRCh38, 1-based): chr2:209,954,225, C>T. VCF-style: chr2-209954225-C-T. GRCh37 (hg19) VCF-style: chr2-210818949-C-T.
Other names: c.7214C>T, p.Ala2405Val (NM_032504.2); c.7199C>T, p.Ala2400Val (NM_182587.4); short protein forms A2471V, A2400V, A2405V.
Identifiers: ClinVar variation 1972596 (VCV001972596.5), dbSNP rs1179213944, ClinGen allele CA350775755.

ClinVar aggregate classification (germline): Uncertain significance. Review status: criteria provided, multiple submitters, no conflicts (2 of 4 stars). 2 submissions from 2 submitters: Uncertain significance (2). Last evaluated 2023-11-27.

Allele frequency attached by ClinVar (database versions not stated): TOPMed below 0.00001; gnomAD exomes 0.00002; gnomAD 0.00003.
gnomAD v4.1: 38 of 1,550,726 alleles (0.0025%); highest among the groups gnomAD compares: African/African-American, 0.0027%; no homozygotes.

Submissions (2):

Labcorp Genetics (formerly Invitae), Labcorp
Classification: Uncertain significance. Last evaluated: 2023-11-27. Review status: criteria provided, single submitter. Criteria: Invitae Variant Classification Sherloc (09022015). Collection method: clinical testing. Allele origin: germline.
Comment: This sequence change replaces alanine, which is neutral and non-polar, with valine, which is neutral and non-polar, at codon 2405 of the UNC80 protein (p.Ala2405Val). This variant is present in population databases (no rsID available, gnomAD 0.01%). This variant has not been reported in the literature in individuals affected with UNC80-related conditions. ClinVar contains an entry for this variant (Variation ID: 1972596). Advanced modeling of protein sequence and biophysical properties (such as structural, functional, and spatial information, amino acid conservation, physicochemical variation, residue mobility, and thermodynamic stability) performed at Invitae indicates that this missense variant is not expected to disrupt UNC80 protein function with a negative predictive value of 80%. In summary, the available evidence is currently insufficient to determine the role of this variant in disease. Therefore, it has been classified as a Variant of Uncertain Significance.

Blueprint Genetics
Classification: Uncertain significance. Last evaluated: 2019-02-25. Review status: criteria provided, single submitter. Criteria: ACMG Guidelines, 2015. Collection method: clinical testing. Allele origin: germline.